The following is an entry in ClinVar:

ClinVar aggregate classification (germline): Pathogenic. Review status: reviewed by expert panel (3 of 4 stars). 3 submissions from 3 submitters: Pathogenic (1). 2 of the submissions do not count toward it. Last evaluated 2016-09-08.

Conditions:
Breast-ovarian cancer, familial, susceptibility to, 1 (BROVCA1). Also called: BRCA1 Hereditary Breast and Ovarian Cancer; OVARIAN CANCER, SUSCEPTIBILITY TO. Identifiers: Orphanet 145, MedGen C2676676, MONDO:0011450, OMIM 604370. Disease mechanism: loss of function.

Submissions (3):

Evidence-based Network for the Interpretation of Germline Mutant Alleles (ENIGMA)
Classification: Pathogenic for Breast-ovarian cancer, familial, susceptibility to, 1. Last evaluated: 2016-09-08. Review status: reviewed by expert panel. Criteria: ENIGMA BRCA1/2 Classification Criteria (2015). Collection method: curation. Allele origin: germline.
Comment: Variant allele predicted to encode a truncated non-functional protein.

Consortium of Investigators of Modifiers of BRCA1/2 (CIMBA), c/o University of Cambridge
Classification: Pathogenic for Breast-ovarian cancer, familial, susceptibility to, 1. Last evaluated: 2015-10-02. Review status: criteria provided, single submitter. Criteria: CIMBA Mutation Classification guidelines May 2016. Collection method: clinical testing. Allele origin: germline. Not counted in ClinVar's aggregate classification.

Breast Cancer Information Core (BIC) (BRCA1)
Classification: Pathogenic for Breast-ovarian cancer, familial 1. Last evaluated: 2010-12-17. Review status: no assertion criteria provided. Collection method: clinical testing. Allele origin: germline. Affected: yes. Observed: 1 variant allele. Not counted in ClinVar's aggregate classification.

NM_007294.4(BRCA1):c.3114_3117delinsGA (p.Ala1039fs)

Gene: BRCA1 (BRCA1 DNA repair associated; minus strand). Cytogenetic location: 17q21.31.
Variant type: Indel.
Coding change: c.3114_3117delinsGA on transcript NM_007294.4 (MANE Select); coding-DNA positions 3114 to 3117, AGCC replaced by GA.
Protein change: p.Ala1039fs; shifts the reading frame from alanine 1039.
Molecular consequence: frameshift variant. On other transcripts: intron variant (137).
Genome position (GRCh38, 1-based): chr17:43,092,414-43,092,417, GGCT replaced by TC on the plus strand (AGCC replaced by GA on the coding strand, the reverse complement: BRCA1 is on the minus strand). VCF-style: chr17-43092414-GGCT-TC. GRCh37 (hg19) VCF-style: chr17-41244431-GGCT-TC.
Other names: 3233delAGCCinsGA; c.2901_2904delinsGA, p.Ala968fs (NM_001407571.1, NM_001407853.1, NM_001407894.1 and 9 more transcripts); c.3114_3117delinsGA, p.Ala1039fs (NM_001407581.1, NM_001407582.1, NM_001407583.1 and 30 more transcripts); c.3111_3114delinsGA, p.Ala1038fs (NM_001407587.1, NM_001407590.1, NM_001407591.1 and 22 more transcripts); c.3105_3108delinsGA, p.Ala1036fs (NM_001407646.1, NM_001407647.1); c.2991_2994delinsGA, p.Ala998fs (NM_001407648.1, NM_001407664.1, NM_001407665.1 and 19 more transcripts); c.2988_2991delinsGA, p.Ala997fs (NM_001407649.1, NM_001407670.1, NM_001407671.1 and 11 more transcripts); c.3036_3039delinsGA, p.Ala1013fs (NM_001407653.1, NM_001407654.1, NM_001407655.1 and 4 more transcripts); and 42 more; short protein forms A992fs, A1039fs, A1036fs, A912fs, A928fs, A951fs, A991fs, A911fs.
Identifiers: ClinVar variation 125607 (VCV000125607.4), dbSNP rs273899700, ClinGen allele CA002037.